The following is an entry in ClinVar:

ClinVar aggregate classification (germline): Uncertain significance. Review status: criteria provided, single submitter (1 of 4 stars). 2 submissions from 2 submitters: Uncertain significance (1). 1 of the submissions does not count toward it. Last evaluated 2022-11-22.

Conditions:
Cone-rod dystrophy 15 (CORD15). Identifiers: MedGen C3150912, MONDO:0013348, OMIM 613660.

Submissions (2):

Labcorp Genetics (formerly Invitae), Labcorp
Classification: Uncertain significance. Last evaluated: 2022-11-22. Review status: criteria provided, single submitter. Criteria: Invitae Variant Classification Sherloc (09022015). Collection method: clinical testing. Allele origin: germline.
Comment: In summary, the available evidence is currently insufficient to determine the role of this variant in disease. Therefore, it has been classified as a Variant of Uncertain Significance. Advanced modeling of protein sequence and biophysical properties (such as structural, functional, and spatial information, amino acid conservation, physicochemical variation, residue mobility, and thermodynamic stability) performed at Invitae indicates that this missense variant is not expected to disrupt CDHR1 protein function. This variant has not been reported in the literature in individuals affected with CDHR1-related conditions. This variant is not present in population databases (gnomAD no frequency). This sequence change replaces glycine, which is neutral and non-polar, with arginine, which is basic and polar, at codon 217 of the CDHR1 protein (p.Gly217Arg).

Cellular and Molecular Research Center, Qom University of Medical Sciences
Classification: Uncertain significance for Cone-rod dystrophy 15. Last evaluated: 2025-04-01. Review status: no assertion criteria provided. Collection method: research. Allele origin: germline. Inheritance: Autosomal recessive inheritance. Affected: yes. Observed: 6 homozygotes. Clinical features observed: Retinal degeneration (HP:0000546). Not counted in ClinVar's aggregate classification.
Comment: Result of different prediction tools vary about this mutation: Mutation taster classifies it as Disease causing, Franklin classifies it as VUS, Varsome classifies it as VUS, PAPI classifies it as DAMAGING, Polyphen2 classifies it as probably damaging, SIFT classifies it as DAMAGING PROVEAN classifies it as DELETERIOUS. CADD score of the variant is 27.4 THIS VARIANT HAS BEEN REPORTED PREVIOUSLY IN CLINVAR BUT NO clinical data is available. We found this variant by WES in a consanguineous family. The variant is segregating in the pedigree

NM_033100.4(CDHR1):c.649G>A (p.Gly217Arg)

Gene: CDHR1 (cadherin related family member 1; plus strand). Cytogenetic location: 10q23.1.
Variant type: single nucleotide variant.
Coding change: c.649G>A on transcript NM_033100.4 (MANE Select); coding-DNA position 649, G replaced by A.
Protein change: p.Gly217Arg; replaces glycine 217 with arginine.
Molecular consequence: missense variant.
Genome position (GRCh38, 1-based): chr10:84,202,989, G>A. VCF-style: chr10-84202989-G-A. GRCh37 (hg19) VCF-style: chr10-85962745-G-A.
Other names: c.649G>A; p.Gly217Arg; c.649G>A, p.Gly217Arg (NM_001171971.3); short protein forms G217R.
Identifiers: ClinVar variation 2093345 (VCV002093345.5), dbSNP rs2492496601, ClinGen allele CA377372551.